The following is an entry in ClinVar:

NM_001290043.2(TAP2):c.157C>G (p.Leu53Val)

Gene: TAP2 (transporter 2, ATP binding cassette subfamily B member; minus strand). Cytogenetic location: 6p21.32.
Variant type: single nucleotide variant.
Coding change: c.157C>G on transcript NM_001290043.2 (MANE Select); coding-DNA position 157, C replaced by G.
Protein change: p.Leu53Val; replaces leucine 53 with valine.
Molecular consequence: missense variant.
Genome position (GRCh38, 1-based): chr6:32,838,077, G>C on the plus strand (C>G on the coding strand, the complement: TAP2 is on the minus strand). VCF-style: chr6-32838077-G-C. GRCh37 (hg19) VCF-style: chr6-32805854-G-C.
Other names: c.157C>G, p.Leu53Val (NM_000544.3, NM_018833.3); short protein forms L53V.
Identifiers: ClinVar variation 1418314 (VCV001418314.5), dbSNP rs144282514, ClinGen allele CA3746204.

ClinVar aggregate classification (germline): Uncertain significance. Review status: criteria provided, multiple submitters, no conflicts (2 of 4 stars). 2 submissions from 2 submitters: Uncertain significance (2). Last evaluated 2025-11-20.

Conditions:
Inborn genetic diseases. Identifiers: MedGen C0950123, MeSH D030342.
MHC class I deficiency. Identifiers: Orphanet 34592, MedGen C6024714, MONDO:0011476.

Allele frequency attached by ClinVar (database versions not stated): gnomAD exomes 0.00009 and 0.00003; ESP Exome Variant Server 0.00047; ExAC 0.00006.
gnomAD v4.1: 106 of 1,612,066 alleles (0.0066%); highest among the groups gnomAD compares: African/African-American, 0.12%; no homozygotes.

Submissions (2):

Ambry Genetics
Classification: Uncertain significance for Inborn genetic diseases. Last evaluated: 2025-11-20. Review status: criteria provided, single submitter. Criteria: Ambry Variant Classification Scheme 2023. Collection method: clinical testing. Allele origin: germline.

Labcorp Genetics (formerly Invitae), Labcorp
Classification: Uncertain significance for MHC class I deficiency 1. Last evaluated: 2022-07-26. Review status: criteria provided, single submitter. Criteria: Invitae Variant Classification Sherloc (09022015). Collection method: clinical testing. Allele origin: germline.
Comment: This sequence change replaces leucine, which is neutral and non-polar, with valine, which is neutral and non-polar, at codon 53 of the TAP2 protein (p.Leu53Val). This variant is present in population databases (rs144282514, gnomAD 0.1%). This variant has not been reported in the literature in individuals affected with TAP2-related conditions. ClinVar contains an entry for this variant (Variation ID: 1418314). Algorithms developed to predict the effect of missense changes on protein structure and function are either unavailable or do not agree on the potential impact of this missense change (SIFT: "Deleterious"; PolyPhen-2: "Not Available"; Align-GVGD: "Class C0"). Algorithms developed to predict the effect of sequence changes on RNA splicing suggest that this variant may create or strengthen a splice site. In summary, the available evidence is currently insufficient to determine the role of this variant in disease. Therefore, it has been classified as a Variant of Uncertain Significance.